The following is an entry in ClinVar:

NM_173660.5(DOK7):c.100+161C>T

Gene: DOK7 (docking protein 7; plus strand). Cytogenetic location: 4p16.3.
Variant type: single nucleotide variant.
Coding change: c.100+161C>T on transcript NM_173660.5 (MANE Select); 161 bases into the intron after coding-DNA position 100, C replaced by T.
Molecular consequence: intron variant.
Genome position (GRCh38, 1-based): chr4:3,463,712, C>T. VCF-style: chr4-3463712-C-T. GRCh37 (hg19) VCF-style: chr4-3465439-C-T.
Other names: c.100+161C>T (NM_001301071.2, NM_001363811.2, NM_001164673.2).
Identifiers: ClinVar variation 679323 (VCV000679323.2), dbSNP rs7663875, ClinGen allele CA11770406.

ClinVar aggregate classification (germline): Benign. Review status: criteria provided, multiple submitters, no conflicts (2 of 4 stars). 2 submissions from 2 submitters: Benign (2). Last evaluated 2018-06-16.

Allele frequency attached by ClinVar (database versions not stated): TOPMed 0.22013; gnomAD 0.22272 and 0.22544; 1000 Genomes Project 30x 0.25547; 1000 Genomes Project 0.26597.
gnomAD v4.1: 34,502 of 152,074 alleles (23%); highest among the groups gnomAD compares: East Asian, 47%; 4,257 homozygotes.

Submissions (2):

GeneDx
Classification: Benign. Last evaluated: 2018-06-16. Review status: criteria provided, single submitter. Criteria: GeneDx Variant Classification (06012015). Collection method: clinical testing. Allele origin: germline. Affected: yes.
Comment: This variant is considered likely benign or benign based on one or more of the following criteria: it is a conservative change, it occurs at a poorly conserved position in the protein, it is predicted to be benign by multiple in silico algorithms, and/or has population frequency not consistent with disease.

Breakthrough Genomics
Classification: Benign. Review status: criteria provided, single submitter. Criteria: ACMG Guidelines, 2015. Collection method: not provided. Allele origin: germline. Inheritance: Autosomal recessive inheritance. Affected: yes.